The following is an entry in ClinVar:

ClinVar aggregate classification (germline): Uncertain significance (1 of 4 stars; one submission).

Submission:

Labcorp Genetics (formerly Invitae), Labcorp
Classification: Uncertain significance. Last evaluated: 2025-01-08. Review status: criteria provided, single submitter. Criteria: Invitae Variant Classification Sherloc (09022015). Collection method: clinical testing. Allele origin: germline.
Comment: This sequence change replaces glycine, which is neutral and non-polar, with arginine, which is basic and polar, at codon 684 of the CFB protein (p.Gly684Arg). This variant is not present in population databases (gnomAD no frequency). This variant has not been reported in the literature in individuals affected with CFB-related conditions. Invitae Evidence Modeling of protein sequence and biophysical properties (such as structural, functional, and spatial information, amino acid conservation, physicochemical variation, residue mobility, and thermodynamic stability) has been performed for this missense variant. However, the output from this modeling did not meet the statistical confidence thresholds required to predict the impact of this variant on CFB protein function. In summary, the available evidence is currently insufficient to determine the role of this variant in disease. Therefore, it has been classified as a Variant of Uncertain Significance.

NM_001710.6(CFB):c.2050G>A (p.Gly684Arg)

Gene: CFB (complement factor B; plus strand). Cytogenetic location: 6p21.33.
Variant type: single nucleotide variant.
Coding change: c.2050G>A on transcript NM_001710.6 (MANE Select); coding-DNA position 2050, G replaced by A.
Protein change: p.Gly684Arg; replaces glycine 684 with arginine.
Molecular consequence: missense variant.
Genome position (GRCh38, 1-based): chr6:31,951,434, G>A. VCF-style: chr6-31951434-G-A. GRCh37 (hg19) VCF-style: chr6-31919211-G-A.
Other names: short protein forms G684R.
Identifiers: ClinVar variation 3667238 (VCV003667238.2).